The following is an entry in ClinVar:

NM_033305.3(VPS13A):c.8452dup (p.Val2818fs)

Gene: VPS13A (vacuolar protein sorting 13 homolog A; plus strand). Cytogenetic location: 9q21.2.
Variant type: Duplication.
Coding change: c.8452dup on transcript NM_033305.3 (MANE Select); coding-DNA position 8452, one base duplicated (G; older notation c.8452dupG).
Protein change: p.Val2818fs; shifts the reading frame from valine 2818.
Molecular consequence: frameshift variant.
Genome position (GRCh38, 1-based): chr9:77,366,853, G duplicated. VCF-style (leftmost placement, unchanged base first): chr9-77366852-T-TG. GRCh37 (hg19) VCF-style: chr9-79981768-T-TG.
Other names: c.8335dup, p.Val2779fs (NM_001018037.2); c.8452dup, p.Val2818fs (NM_001018038.3, NM_015186.4); short protein forms V2779fs, V2818fs.
Identifiers: ClinVar variation 4063000 (VCV004063000.2).

ClinVar aggregate classification (germline): Likely pathogenic (1 of 4 stars; one submission).

Conditions:
VPS13A-related neurodegenerative disease. Also called: LEVINE-CRITCHLEY SYNDROME; Choreoacanthocytosis; Chorea-acanthocytosis; VPS13A Disease; Choreaacanthocytosis; ACANTHOCYTOSIS WITH NEUROLOGIC DISORDER. Identifiers: Orphanet 2388, MedGen C0393576, MONDO:0008695, OMIM 200150.

Submission:

Natera, Inc.
Classification: Likely pathogenic for Choreaacanthocytosis. Last evaluated: 2025-03-10. Review status: criteria provided, single submitter. Criteria: Natera Variant Classification Schema (03/2026). Collection method: clinical testing. Allele origin: germline.
Comment: The c.8452dup variant in VPS13A is a frameshift variant predicted to shift the reading frame beginning at codon 2818 and leads to a stop codon 7 codons downstream. This variant is expected to result in nonsense mediated decay, truncation, or a dysfunctional protein product. This variant is rare in the general population with a frequency below the threshold expected for the associated phenotype(s). Given the available evidence, this variant is classified as Likely Pathogenic.